The following is an entry in ClinVar:

ClinVar aggregate classification (germline): Likely benign (1 of 4 stars; one submission).

Submission:

GeneDx
Classification: Likely benign. Last evaluated: 2015-10-19. Review status: criteria provided, single submitter. Criteria: GeneDx Variant Classification (06012015). Collection method: clinical testing. Allele origin: germline. Affected: yes.
Comment: This variant is considered likely benign or benign based on one or more of the following criteria: it is a conservative change, it occurs at a poorly conserved position in the protein, it is predicted to be benign by multiple in silico algorithms, and/or has population frequency not consistent with disease.

NM_000238.4(KCNH2):c.-53CCGGG[4]

Gene: KCNH2 (potassium voltage-gated channel subfamily H member 2; minus strand). Cytogenetic location: 7q36.1.
Variant type: Microsatellite.
Coding change: c.-53CCGGG[4] on transcript NM_000238.4 (MANE Select); four copies in a row of the 5-base unit CCGGG starting at c.-53; the reference has three copies in a row; one copy, 5 bases duplicated.
Molecular consequence: 5 prime UTR variant.
Genome position (GRCh38, 1-based): chr7:150,977,952-150,977,956, CCCGG duplicated on the plus strand (CCGGG on the coding strand, the reverse complement: KCNH2 is on the minus strand); duplicating any 5 consecutive bases within chr7:150,977,952-150,977,969 gives the same sequence; the position shown is the placement nearest the transcript's 3' end. VCF-style (leftmost placement, unchanged base first): chr7-150977951-C-CCCCGG. GRCh37 (hg19) VCF-style: chr7-150675039-C-CCCCGG.
Other names: c.-43_-39dupCCGGG (NM_000238.2); c.-56_-52GGGCC[4] (NM_172056.3).
Identifiers: ClinVar variation 419849 (VCV000419849.3), dbSNP rs747534042, ClinGen allele CA4566445.